The following is an entry in ClinVar:

ClinVar aggregate classification (germline): Uncertain significance (1 of 4 stars; one submission).

Conditions:
Cardiovascular phenotype. Identifiers: MedGen CN230736.
Hereditary cancer-predisposing syndrome. Also called: Hereditary neoplastic syndrome; Neoplastic Syndromes, Hereditary; Tumor predisposition; Hereditary Cancer Syndrome. Identifiers: Orphanet 140162, MedGen C0027672, MeSH D009386, MONDO:0015356.

Submission:

Ambry Genetics
Classification: Uncertain significance for Cardiovascular phenotype; Hereditary cancer-predisposing syndrome. Last evaluated: 2025-08-25. Review status: criteria provided, single submitter. Criteria: Ambry Variant Classification Scheme 2023. Collection method: clinical testing. Allele origin: germline.
Comment: The p.Q1033P variant (also known as c.3098A>C), located in coding exon 23 of the NF1 gene, results from an A to C substitution at nucleotide position 3098. The glutamine at codon 1033 is replaced by proline, an amino acid with similar properties. This amino acid position is conserved. In addition, the in silico prediction for this alteration is inconclusive. Based on the available evidence, the clinical significance of this variant remains unclear.

NM_001042492.3(NF1):c.3098A>C (p.Gln1033Pro)

Gene: NF1 (neurofibromin 1; plus strand). Cytogenetic location: 17q11.2.
Variant type: single nucleotide variant.
Coding change: c.3098A>C on transcript NM_001042492.3 (MANE Select); coding-DNA position 3098, A replaced by C.
Protein change: p.Gln1033Pro; replaces glutamine 1033 with proline.
Molecular consequence: missense variant.
Genome position (GRCh38, 1-based): chr17:31,230,367, A>C. VCF-style: chr17-31230367-A-C. GRCh37 (hg19) VCF-style: chr17-29557385-A-C.
Other names: c.3098A>C, p.Gln1033Pro (NM_000267.4); short protein forms Q1033P.
Identifiers: ClinVar variation 4119168 (VCV004119168.1).